The following is an entry in ClinVar:

ClinVar aggregate classification (germline): Uncertain significance (1 of 4 stars; one submission).

Conditions:
Spastic paraplegia. Identifiers: MedGen C0037772, HP:0001258.

Allele frequency attached by ClinVar (database versions not stated): gnomAD 0.00001; gnomAD exomes 0.00001; TOPMed 0.00001.
gnomAD v4.1: 15 of 1,613,716 alleles (0.00093%); highest among the groups gnomAD compares: Non-Finnish European, 0.0013%; no homozygotes.

Submission:

Labcorp Genetics (formerly Invitae), Labcorp
Classification: Uncertain significance for Spastic paraplegia. Last evaluated: 2022-08-09. Review status: criteria provided, single submitter. Criteria: Invitae Variant Classification Sherloc (09022015). Collection method: clinical testing. Allele origin: germline.
Comment: This variant has not been reported in the literature in individuals affected with SACS-related conditions. This sequence change replaces proline, which is neutral and non-polar, with serine, which is neutral and polar, at codon 4178 of the SACS protein (p.Pro4178Ser). This variant is present in population databases (no rsID available, gnomAD 0.002%). Advanced modeling of protein sequence and biophysical properties (such as structural, functional, and spatial information, amino acid conservation, physicochemical variation, residue mobility, and thermodynamic stability) performed at Invitae indicates that this missense variant is not expected to disrupt SACS protein function. In summary, the available evidence is currently insufficient to determine the role of this variant in disease. Therefore, it has been classified as a Variant of Uncertain Significance.

NM_014363.6(SACS):c.12532C>T (p.Pro4178Ser)

Gene: SACS (sacsin molecular chaperone; minus strand). Cytogenetic location: 13q12.12.
Variant type: single nucleotide variant.
Coding change: c.12532C>T on transcript NM_014363.6 (MANE Select); coding-DNA position 12532, C replaced by T.
Protein change: p.Pro4178Ser; replaces proline 4178 with serine.
Molecular consequence: missense variant.
Genome position (GRCh38, 1-based): chr13:23,331,344, G>A on the plus strand (C>T on the coding strand, the complement: SACS is on the minus strand). VCF-style: chr13-23331344-G-A. GRCh37 (hg19) VCF-style: chr13-23905483-G-A.
Other names: c.12091C>T, p.Pro4031Ser (NM_001278055.2); short protein forms P4031S, P4178S.
Identifiers: ClinVar variation 2162504 (VCV002162504.4), dbSNP rs1436835359, ClinGen allele CA387507529.